The following is an entry in ClinVar:

NM_001394062.1(MACF1):c.21045C>T (p.Asp7015=)

Gene: MACF1 (microtubule actin crosslinking factor 1; plus strand). Cytogenetic location: 1p34.3.
Variant type: single nucleotide variant.
Coding change: c.21045C>T on transcript NM_001394062.1 (MANE Select); coding-DNA position 21045, C replaced by T.
Protein change: p.Asp7015=; no amino-acid change (aspartic acid 7015 retained).
Molecular consequence: synonymous variant.
Genome position (GRCh38, 1-based): chr1:39,455,067, C>T. VCF-style: chr1-39455067-C-T. GRCh37 (hg19) VCF-style: chr1-39920739-C-T.
Other names: c.9123C>T, p.Asp3041= (NM_001397473.1); c.14868C>T, p.Asp4956= (NM_012090.5).
Identifiers: ClinVar variation 4991170 (VCV004991170.1).

ClinVar aggregate classification (germline): Likely benign (1 of 4 stars; one submission).

Conditions:
MACF1-related disorder. Also called: MACF1-related condition.

gnomAD v4.1: 1 of 1,614,130 alleles (0.000062%); highest among the groups gnomAD compares: South Asian, 0.0011%; no homozygotes.

Submission:

PreventionGenetics, part of Exact Sciences
Classification: Likely benign for MACF1-related condition. Last evaluated: 2026-04-21. Review status: criteria provided, single submitter. Criteria: ACMG Guidelines, 2015. Collection method: clinical testing. Allele origin: germline.
Comment: This variant is classified as likely benign based on ACMG/AMP sequence variant interpretation guidelines (Richards et al. 2015 PMID: 25741868, with internal and published modifications).